The following is an entry in ClinVar:

NM_000135.4(FANCA):c.775C>G (p.Pro259Ala)

Gene: FANCA (FA complementation group A; minus strand). Cytogenetic location: 16q24.3.
Variant type: single nucleotide variant.
Coding change: c.775C>G on transcript NM_000135.4 (MANE Select); coding-DNA position 775, C replaced by G.
Protein change: p.Pro259Ala; replaces proline 259 with alanine.
Molecular consequence: missense variant.
Genome position (GRCh38, 1-based): chr16:89,803,276, G>C on the plus strand (C>G on the coding strand, the complement: FANCA is on the minus strand). VCF-style: chr16-89803276-G-C. GRCh37 (hg19) VCF-style: chr16-89869684-G-C.
Other names: c.775C>G, p.Pro259Ala (NM_001018112.3, NM_001286167.3); c.679C>G, p.Pro227Ala (NM_001351830.2); c.775C>G (NM_000135.3); short protein forms P259A, P227A.
Identifiers: ClinVar variation 854140 (VCV000854140.8), dbSNP rs200988394, ClinGen allele CA8252813.

ClinVar aggregate classification (germline): Uncertain significance. Review status: criteria provided, multiple submitters, no conflicts (2 of 4 stars). 5 submissions from 5 submitters: Uncertain significance (4). 1 of the submissions does not count toward it. Last evaluated 2024-08-22.

Conditions:
Fanconi anemia (FA). Also called: Fanconi's anemia. Identifiers: Orphanet 84, MedGen C0015625, MeSH D005199, MONDO:0019391.
Fanconi anemia complementation group A (FANCA). Also called: Fanconi anemia, group A; FANCA-Related Fanconi Anemia. Identifiers: Orphanet 84, MedGen C3469521, MONDO:0009215, OMIM 227650.

Allele frequency attached by ClinVar (database versions not stated): 1000 Genomes Project 30x 0.00016; 1000 Genomes Project 0.00020.

Submissions (5):

St. Jude Molecular Pathology, St. Jude Children's Research Hospital
Classification: Uncertain significance for Fanconi anemia complementation group A. Last evaluated: 2024-08-22. Review status: criteria provided, single submitter. Criteria: St. Jude Assertion Criteria 2020. Collection method: clinical testing. Allele origin: germline.
Comment: The FANCA c.775C>G (p.Pro259Ala) missense change has a maximum subpopulation frequency of 0.005% in gnomAD v2.1.1. The in silico tool REVEL predicts a benign effect on protein function. To our knowledge, this variant has not been reported in individuals with Fanconi anemia. In summary, the evidence currently available is insufficient to determine the clinical significance of this variant. It has therefore been classified as of uncertain significance.

Labcorp Genetics (formerly Invitae), Labcorp
Classification: Uncertain significance for Fanconi anemia. Last evaluated: 2022-07-11. Review status: criteria provided, single submitter. Criteria: Invitae Variant Classification Sherloc (09022015). Collection method: clinical testing. Allele origin: germline.
Comment: This sequence change replaces proline, which is neutral and non-polar, with alanine, which is neutral and non-polar, at codon 259 of the FANCA protein (p.Pro259Ala). This variant is present in population databases (rs200988394, gnomAD 0.004%). This missense change has been observed in individual(s) with T-cell acute lymphoblastic leukemia (PMID: 31721781). ClinVar contains an entry for this variant (Variation ID: 854140). Advanced modeling of protein sequence and biophysical properties (such as structural, functional, and spatial information, amino acid conservation, physicochemical variation, residue mobility, and thermodynamic stability) performed at Invitae indicates that this missense variant is not expected to disrupt FANCA protein function. Experimental studies have shown that this missense change affects FANCA function (PMID: 31721781). In summary, the available evidence is currently insufficient to determine the role of this variant in disease. Therefore, it has been classified as a Variant of Uncertain Significance.

Quest Diagnostics Nichols Institute San Juan Capistrano
Classification: Uncertain significance. Last evaluated: 2021-04-14. Review status: criteria provided, single submitter. Criteria: Quest Diagnostics criteria. Collection method: clinical testing. Allele origin: unknown.

Sema4
Classification: Uncertain significance for Fanconi anemia. Last evaluated: 2021-04-07. Review status: criteria provided, single submitter. Criteria: Sema4 Curation Guidelines. Collection method: curation. Allele origin: germline.
Comment: To the best of our knowledge, the FANCA c.775C>G (p.P259A) variant has not been reported in individuals with FANCA-related disease. A functional study evaluating the effect of this variant on cell viability after exposure to a cytotoxic agent and the effect on cell cycle regulation demonstrated the normal function of the protein (PMID: 31721781). This variant was observed in 6/113714 chromosomes in the Non-Finnish European subpopulation according to the Genome Aggregation Database (PMID: 32461654). This variant has been reported in ClinVar (Variation ID: 854140). In silico tools suggest the impact of the variant on protein function is benign. Based on the current evidence available, this variant is interpreted as a variant of uncertain significance.

Natera, Inc.
Classification: Uncertain significance for Fanconi anemia, group A. Last evaluated: 2020-09-16. Review status: no assertion criteria provided. Collection method: clinical testing. Allele origin: germline. Not counted in ClinVar's aggregate classification.

Literature cited by the submitters: PubMed 31721781 (cited by 3 submitters).